The following is an entry in ClinVar:

NM_173076.3(ABCA12):c.2431T>C (p.Tyr811His)

Gene: ABCA12 (ATP binding cassette subfamily A member 12; minus strand). Cytogenetic location: 2q35.
Variant type: single nucleotide variant.
Coding change: c.2431T>C on transcript NM_173076.3 (MANE Select); coding-DNA position 2431, T replaced by C.
Protein change: p.Tyr811His; replaces tyrosine 811 with histidine.
Molecular consequence: missense variant. On other transcripts: non-coding transcript variant (1).
Genome position (GRCh38, 1-based): chr2:215,010,372, A>G on the plus strand (T>C on the coding strand, the complement: ABCA12 is on the minus strand). VCF-style: chr2-215010372-A-G. GRCh37 (hg19) VCF-style: chr2-215875096-A-G.
Other names: c.1477T>C, p.Tyr493His (NM_015657.4); short protein forms Y493H, Y811H.
Identifiers: ClinVar variation 4086320 (VCV004086320.1).

ClinVar aggregate classification (germline): Uncertain significance (1 of 4 stars; one submission).

gnomAD v4.1: 1 of 1,613,858 alleles (0.000062%); highest among the groups gnomAD compares: South Asian, 0.0011%; no homozygotes.

Submission:

GeneDx
Classification: Uncertain significance. Last evaluated: 2025-03-20. Review status: criteria provided, single submitter. Criteria: GeneDx Variant Classification Process June 2021. Collection method: clinical testing. Allele origin: germline. Affected: yes.
Comment: Not observed at significant frequency in large population cohorts (gnomAD); In silico analysis supports that this missense variant has a deleterious effect on protein structure/function; Has not been previously published as pathogenic or benign to our knowledge